The following is an entry in ClinVar:

ClinVar aggregate classification (germline): Uncertain significance. Review status: criteria provided, multiple submitters, no conflicts (2 of 4 stars). 2 submissions from 2 submitters: Uncertain significance (2). Last evaluated 2022-08-19.

Allele frequency attached by ClinVar (database versions not stated): gnomAD exomes below 0.00001 and 0.00001; TOPMed below 0.00001.

Submissions (2):

Blueprint Genetics
Classification: Uncertain significance. Last evaluated: 2022-08-19. Review status: criteria provided, single submitter. Criteria: ACMG Guidelines, 2015. Collection method: clinical testing. Allele origin: germline.

Labcorp Genetics (formerly Invitae), Labcorp
Classification: Uncertain significance. Last evaluated: 2021-05-31. Review status: criteria provided, single submitter. Criteria: Invitae Variant Classification Sherloc (09022015). Collection method: clinical testing. Allele origin: germline.
Comment: In summary, the available evidence is currently insufficient to determine the role of this variant in disease. Therefore, it has been classified as a Variant of Uncertain Significance. Algorithms developed to predict the effect of missense changes on protein structure and function (SIFT, PolyPhen-2, Align-GVGD) all suggest that this variant is likely to be tolerated, but these predictions have not been confirmed by published functional studies and their clinical significance is uncertain. This variant has not been reported in the literature in individuals with PLOD3-related conditions. This variant is not present in population databases (ExAC no frequency). This sequence change replaces threonine with alanine at codon 83 of the PLOD3 protein (p.Thr83Ala). The threonine residue is moderately conserved and there is a small physicochemical difference between threonine and alanine.

NM_001084.5(PLOD3):c.247A>G (p.Thr83Ala)

Gene: PLOD3 (procollagen-lysine,2-oxoglutarate 5-dioxygenase 3; minus strand). Cytogenetic location: 7q22.1.
Variant type: single nucleotide variant.
Coding change: c.247A>G on transcript NM_001084.5 (MANE Select); coding-DNA position 247, A replaced by G.
Protein change: p.Thr83Ala; replaces threonine 83 with alanine.
Molecular consequence: missense variant.
Genome position (GRCh38, 1-based): chr7:101,216,501, T>C on the plus strand (A>G on the coding strand, the complement: PLOD3 is on the minus strand). VCF-style: chr7-101216501-T-C. GRCh37 (hg19) VCF-style: chr7-100859782-T-C.
Other names: short protein forms T83A.
Identifiers: ClinVar variation 1439635 (VCV001439635.9), dbSNP rs1284429544, ClinGen allele CA368626494.
Genomic context (GRCh38, chr7:101,216,501, plus strand): 5'-GGTCAGCGTATTTCTCCATTTCCTTCTTTAACCACCGGACCTTCTGTCCTCCACCAACTG[T>C]TCGAGCCACATCACCCCCTCGCCACTCCTCTCCCAGGCCCAGGGTCTGTGGAGAAGATTG-3'
Protein context (NP_001075.1, residues 73-93): EEWRGGDVAR[Thr83Ala]VGGGQKVRWL